The following is an entry in ClinVar:

ClinVar aggregate classification (germline): Likely pathogenic (1 of 4 stars; one submission).

Conditions:
Glycogen storage disease, type II (IOPD). Also called: Pompe Disease; CARDIOMEGALIA GLYCOGENICA DIFFUSA; GLYCOGENOSIS, GENERALIZED, CARDIAC FORM; GSD II; POMPE DISEASE, INFANTILE-ONSET; GLYCOGEN STORAGE DISEASE II, INFANTILE-ONSET. Identifiers: Orphanet 365, MedGen C0017921, MONDO:0009290, OMIM 232300.

Submission:

Genomenon, Inc
Classification: Likely pathogenic for Glycogen storage disease, type II. Last evaluated: 2026-07-01. Review status: criteria provided, single submitter. Criteria: Genomenon Sequence Variant Interpretation Standards - Updated. Collection method: curation. Allele origin: germline. Affected: yes.
Comment: GAA c.-32-3C>G is an intronic variant located in the 5′ untranslated region (5′ UTR). This variant has been observed in at least one proband with a GAA-related disorder in the compound heterozygous and/or homozygous state (PMID:27189384;21803581). At least one splicing study has demonstrated that this variant results in aberrant splicing (PMID:31301153;25243733). It is absent or not present at a significant frequency in gnomAD. In conclusion, we classify GAA c.-32-3C>G as a likely pathogenic variant.

Literature cited by the submitters: PubMed 27189384; PubMed 21803581; PubMed 31301153; PubMed 25243733.

NM_000152.5(GAA):c.-32-3C>G

Gene: GAA (alpha glucosidase; plus strand). Cytogenetic location: 17q25.3.
Variant type: single nucleotide variant.
Coding change: c.-32-3C>G on transcript NM_000152.5 (MANE Select); 3 bases into the intron before 32 bases upstream of the start codon, C replaced by G.
Molecular consequence: intron variant.
Genome position (GRCh38, 1-based): chr17:80,104,552, C>G. VCF-style: chr17-80104552-C-G. GRCh37 (hg19) VCF-style: chr17-78078351-C-G.
Other names: c.-32-3C>G (NM_001406741.1, NM_001406742.1, NM_001079803.3 and 1 more transcripts).
Identifiers: ClinVar variation 4876383 (VCV004876383.1).
Genomic context (GRCh38, chr17:80,104,552, plus strand): 5'-TTGAGAGCCCCGTGAGTGCCGCCCCTCCCGCCTCCCTGCTGAGCCCGCTTTCTTCTCCCG[C>G]AGGCCTGTAGGAGCTGTCCAGGCCATCTCCAACCATGGGAGTGAGGCACCCGCCCTGCTC-3'